The following is an entry in ClinVar:

ClinVar aggregate classification (germline): Pathogenic. Review status: criteria provided, multiple submitters, no conflicts (2 of 4 stars). 12 submissions from 12 submitters: Pathogenic (11). 1 of the submissions does not count toward it. Last evaluated 2026-01-22.

Conditions:
Lymphangiomyomatosis (LAM). Also called: Lymphangioleiomyomatosis, somatic; Lymphangioleiomyomatosis. Identifiers: Orphanet 538, MedGen C0751674, MONDO:0011705, OMIM 606690.
Isolated focal cortical dysplasia type II (FCORD2). Also called: CORTICAL DYSPLASIA OF TAYLOR; Focal cortical dysplasia type II. Identifiers: Orphanet 268994, MedGen C1846385, MONDO:0011818, OMIM 607341, HP:0032051.
Tuberous sclerosis 2 (TSC2). Identifiers: Orphanet 805, MedGen C1860707, MONDO:0013199, OMIM 613254.
Hereditary cancer-predisposing syndrome. Also called: Tumor predisposition; Neoplastic Syndromes, Hereditary; Hereditary neoplastic syndrome; Hereditary Cancer Syndrome. Identifiers: Orphanet 140162, MedGen C0027672, MeSH D009386, MONDO:0015356.
Tuberous sclerosis syndrome (TSC). Also called: Tuberous Sclerosis Complex; Tuberous sclerosis. Identifiers: Orphanet 805, MedGen C0041341, MONDO:0001734.

Submissions (12):

Cambridge Genomics Laboratory, East Genomic Laboratory Hub, NHS Genomic Medicine Service
Classification: Pathogenic for Tuberous sclerosis. Last evaluated: 2026-01-22. Review status: criteria provided, single submitter. Criteria: ACGS Best Practice Guidelines for Variant Classification in Rare Disease 2020. Collection method: clinical testing. Allele origin: germline. Affected: yes.
Comment: PVS1,PM2,PP4

Ambry Genetics
Classification: Pathogenic for Hereditary cancer-predisposing syndrome. Last evaluated: 2025-12-15. Review status: criteria provided, single submitter. Criteria: Ambry Variant Classification Scheme 2023. Collection method: clinical testing. Allele origin: germline.
Comment: The p.R1138* pathogenic mutation (also known as c.3412C>T), located in coding exon 29 of the TSC2 gene, results from a C to T substitution at nucleotide position 3412. This changes the amino acid from an arginine to a stop codon within coding exon 29. This variant was reported in individual(s) with features consistent with tuberous sclerosis complex (Mayer K et al. Hum. Mutat., 1999;14:401-11; Dabora SL et al. Am. J. Hum. Genet., 2001 Jan;68:64-80; Ambry internal data). This variant is considered to be rare based on population cohorts in the Genome Aggregation Database (gnomAD). This alteration is expected to result in loss of function by premature protein truncation or nonsense-mediated mRNA decay. As such, this alteration is interpreted as a disease-causing mutation.

CeGaT Center for Human Genetics Tuebingen
Classification: Pathogenic. Last evaluated: 2025-03-01. Review status: criteria provided, single submitter. Criteria: CeGaT Center For Human Genetics Tuebingen Variant Classification Criteria Version 2. Collection method: clinical testing. Allele origin: germline. Affected: yes. Observed: 2 variant alleles.
Comment: TSC2: PS2:Very Strong, PVS1, PS4, PM2

Labcorp Genetics (formerly Invitae), Labcorp
Classification: Pathogenic for Tuberous sclerosis 2. Last evaluated: 2024-06-17. Review status: criteria provided, single submitter. Criteria: Invitae Variant Classification Sherloc (09022015). Collection method: clinical testing. Allele origin: germline.
Comment: This sequence change creates a premature translational stop signal (p.Arg1138*) in the TSC2 gene. It is expected to result in an absent or disrupted protein product. Loss-of-function variants in TSC2 are known to be pathogenic (PMID: 10205261, 17304050). This variant is not present in population databases (gnomAD no frequency). This premature translational stop signal has been observed in individual(s) with tuberous sclerosis complex (PMID: 10533066, 16981987). ClinVar contains an entry for this variant (Variation ID: 49257). For these reasons, this variant has been classified as Pathogenic.

Division of Genomic Medicine, Department of Advanced Medicine, Medical Research Institute, Kanazawa Medical University
Classification: Pathogenic for Tuberous sclerosis 2. Last evaluated: 2022-07-19. Review status: criteria provided, single submitter. Criteria: ACMG Guidelines, 2015. Collection method: clinical testing. Allele origin: germline. Affected: yes. Observed: 1 variant allele.

Fulgent Genetics
Classification: Pathogenic for Lymphangiomyomatosis; Isolated focal cortical dysplasia type II; Tuberous sclerosis 2. Last evaluated: 2021-11-17. Review status: criteria provided, single submitter. Criteria: ACMG Guidelines, 2015. Collection method: clinical testing. Allele origin: unknown.

Genome-Nilou Lab
Classification: Pathogenic for Tuberous sclerosis 2. Last evaluated: 2021-11-07. Review status: criteria provided, single submitter. Criteria: ACMG Guidelines, 2015. Collection method: clinical testing. Allele origin: germline. Affected: no.

GeneDx
Classification: Pathogenic. Last evaluated: 2021-06-09. Review status: criteria provided, single submitter. Criteria: GeneDx Variant Classification Process June 2021. Collection method: clinical testing. Allele origin: germline. Affected: yes.
Comment: Nonsense variant predicted to result in protein truncation or nonsense-mediated decay in a gene for which loss-of-function is a known mechanism of disease; Not observed at significant frequency in large population cohorts (Lek et al., 2016); This variant is associated with the following publications: (PMID: 32211034, 25525159, 25782670, 15798777, 16114042, 16981987, 15121797, 10533066, 28065512, 24271014, 33807840, 31927531, 30036593, 30185235, 27535533, 11112665, 33278787)

Laboratory for Molecular Medicine, Mass General Brigham Personalized Medicine
Classification: Pathogenic for Tuberous sclerosis syndrome. Last evaluated: 2017-12-05. Review status: criteria provided, single submitter. Criteria: ACMG Guidelines, 2015. Collection method: clinical testing. Allele origin: germline. Inheritance: Autosomal dominant inheritance.
Comment: The p.Arg1138X variant in TSC2 has been previously reported in 2 individuals with tuberous sclerosis and segregated with disease in 2 affected relatives (Mayer 1999, Cai 2017). This variant has also been reported in more than 40 sporadic TSC cases (Kwiatkowski 2015, Dabora 2001, Hung 2006, Crino 2010, Tyburczy 2014, LOVD database). Data from large population studies is insufficient to assess the frequency of this variant. The p.Arg1138X variant has been reported in ClinVar (Variation ID 49257). This nonsense variant leads to a premature termination codon at position 1138, which is predicted to lead to a truncated or absent protein. Heterozygous loss of function of the TSC2 gene is an established disease mechanism in tuberous sclerosis. In summary, this variant meets criteria to be classified as pathogenic for tuberous sclerosis in an autosomal dominant manner. ACMG/AMP Criteria applied: PVS1; PS4_Moderate; PP4.

Athena Diagnostics
Classification: Pathogenic for Tuberous sclerosis 2. Last evaluated: 2015-08-10. Review status: criteria provided, single submitter. Criteria: Athena Diagnostics Criteria. Collection method: clinical testing. Allele origin: germline. Inheritance: Autosomal dominant inheritance.

Clinical Genetics Service, Universitary Hospital 12 de Octubre
Classification: Pathogenic for Tuberous sclerosis 2. Review status: criteria provided, single submitter. Criteria: ACMG Guidelines, 2015. Collection method: clinical testing. Allele origin: germline. Affected: yes.

Tuberous sclerosis database (TSC2)
No classification provided. Condition: TSC. Review status: no classification provided. Criteria: Tuberous Sclerosis Database Assertion Criteria 2015. Collection method: curation. Allele origin: germline. Affected: yes. Not counted in ClinVar's aggregate classification.

Literature cited by the submitters: PubMed 10533066 (cited by 4 submitters); PubMed 11112665 (cited by Ambry Genetics and Laboratory for Molecular Medicine, Mass General Brigham Personalized Medicine); PubMed 10205261 (cited by Labcorp Genetics (formerly Invitae), Labcorp); PubMed 17304050 (cited by Labcorp Genetics (formerly Invitae), Labcorp); PubMed 16981987 (cited by Labcorp Genetics (formerly Invitae), Labcorp and Laboratory for Molecular Medicine, Mass General Brigham Personalized Medicine); PubMed 28065512 (cited by Laboratory for Molecular Medicine, Mass General Brigham Personalized Medicine); PubMed 20498439 (cited by Laboratory for Molecular Medicine, Mass General Brigham Personalized Medicine); PubMed 24271014 (cited by Laboratory for Molecular Medicine, Mass General Brigham Personalized Medicine); PubMed 16114042 (cited by Laboratory for Molecular Medicine, Mass General Brigham Personalized Medicine); PubMed 25782670 (cited by Laboratory for Molecular Medicine, Mass General Brigham Personalized Medicine).

NM_000548.5(TSC2):c.3412C>T (p.Arg1138Ter)

Gene: TSC2 (TSC complex subunit 2; plus strand). Cytogenetic location: 16p13.3.
Variant type: single nucleotide variant.
Coding change: c.3412C>T on transcript NM_000548.5 (MANE Select); coding-DNA position 3412, C replaced by T.
Protein change: p.Arg1138Ter; replaces arginine 1138 with a stop codon.
Molecular consequence: nonsense.
Genome position (GRCh38, 1-based): chr16:2,080,179, C>T. VCF-style: chr16-2080179-C-T. GRCh37 (hg19) VCF-style: chr16-2130180-C-T.
Other names: p.R1138*:CGA>TGA; c.3280C>T, p.Arg1094Ter (NM_001077183.3, NM_001370404.1); c.3412C>T, p.Arg1138Ter (NM_001114382.3); c.3172C>T, p.Arg1058Ter (NM_001318827.2); c.3136C>T, p.Arg1046Ter (NM_001318829.2); c.2680C>T, p.Arg894Ter (NM_001318831.2); c.3313C>T, p.Arg1105Ter (NM_001318832.2); c.3283C>T, p.Arg1095Ter (NM_001363528.2, NM_001370405.1, NM_021055.3); and 1 more; short protein forms R1138*, R1094*, R1095*, R894*, R1105*, R1046*, R1058*.
Identifiers: ClinVar variation 49257 (VCV000049257.58), dbSNP rs45451497, ClinGen allele CA019122.